The following is an entry in ClinVar:

ClinVar aggregate classification (germline): Likely pathogenic (1 of 4 stars; one submission).

Conditions:
Hereditary cancer-predisposing syndrome. Also called: Tumor predisposition; Neoplastic Syndromes, Hereditary; Hereditary neoplastic syndrome; Hereditary Cancer Syndrome. Identifiers: Orphanet 140162, MedGen C0027672, MeSH D009386, MONDO:0015356.

Submission:

Ambry Genetics
Classification: Likely pathogenic for Hereditary cancer-predisposing syndrome. Last evaluated: 2024-08-21. Review status: criteria provided, single submitter. Criteria: Ambry Variant Classification Scheme 2023. Collection method: clinical testing. Allele origin: germline.
Comment: The c.7696_7697insALU likely pathogenic variant results from the insertion of an Alu element in coding exon 51 of the ATM gene. Mobile element insertions contribute to pathogenicity by either disrupting the coding sequence or inducing aberrant splicing (Belancio VP et al. Semin. Cancer Biol. 2010 Aug;20:200-10; Deininger P et al. Genome Biol. 2011 Dec;12:236; van der Klift HM Hum Mutat. 2012 Jul;33(7):1051-5). Based on the majority of available evidence to date, this variant is likely to be pathogenic.

NM_000051.3:c.7696_7697insALU

Gene: ATM (ATM serine/threonine kinase; plus strand).
Variant type: Insertion.
Identifiers: ClinVar variation 3450486 (VCV003450486.1).